The following is an entry in ClinVar:

NM_022765.4(MICAL1):c.209G>C (p.Arg70Pro)

Gene: MICAL1 (microtubule associated monooxygenase, calponin and LIM domain containing 1; minus strand). Cytogenetic location: 6q21.
Variant type: single nucleotide variant.
Coding change: c.209G>C on transcript NM_022765.4 (MANE Select); coding-DNA position 209, G replaced by C.
Protein change: p.Arg70Pro; replaces arginine 70 with proline.
Molecular consequence: missense variant.
Genome position (GRCh38, 1-based): chr6:109,453,988, C>G on the plus strand (G>C on the coding strand, the complement: MICAL1 is on the minus strand). VCF-style: chr6-109453988-C-G. GRCh37 (hg19) VCF-style: chr6-109775191-C-G.
Other names: c.209G>C, p.Arg70Pro (NM_001159291.2); c.266G>C, p.Arg89Pro (NM_001286613.2); c.209G>C (NM_022765.3); short protein forms R70P, R89P.
Identifiers: ClinVar variation 2064414 (VCV002064414.5), dbSNP rs565842929, ClinGen allele CA3953876.

ClinVar aggregate classification (germline): Uncertain significance. Review status: criteria provided, multiple submitters, no conflicts (2 of 4 stars). 2 submissions from 2 submitters: Uncertain significance (2). Last evaluated 2024-11-16.

gnomAD v4.1: 20 of 1,614,046 alleles (0.0012%); highest among the groups gnomAD compares: Admixed American, 0.03%; no homozygotes.

Submissions (2):

Labcorp Genetics (formerly Invitae), Labcorp
Classification: Uncertain significance. Last evaluated: 2024-11-16. Review status: criteria provided, single submitter. Criteria: Invitae Variant Classification Sherloc (09022015). Collection method: clinical testing. Allele origin: germline.
Comment: This sequence change replaces arginine, which is basic and polar, with proline, which is neutral and non-polar, at codon 89 of the MICAL1 protein (p.Arg89Pro). This variant is present in population databases (rs565842929, gnomAD 0.05%), and has an allele count higher than expected for a pathogenic variant. This variant has not been reported in the literature in individuals affected with MICAL1-related conditions. ClinVar contains an entry for this variant (Variation ID: 2064414). An algorithm developed to predict the effect of missense changes on protein structure and function (PolyPhen-2) suggests that this variant is likely to be disruptive. In summary, the available evidence is currently insufficient to determine the role of this variant in disease. Therefore, it has been classified as a Variant of Uncertain Significance.

Ambry Genetics
Classification: Uncertain significance. Last evaluated: 2023-12-26. Review status: criteria provided, single submitter. Criteria: Ambry Variant Classification Scheme 2023. Collection method: clinical testing. Allele origin: germline.